The following is an entry in ClinVar:

NM_003494.3(DYSF):c.-497T>C

Gene: DYSF (dysferlin; plus strand). Cytogenetic location: 2p13.2.
Variant type: single nucleotide variant.
Coding change: c.-497T>C on transcript NM_003494.3; 497 bases upstream of the start codon, T replaced by C.
Genome position (GRCh38, 1-based): chr2:71,453,502, T>C. VCF-style: chr2-71453502-T-C. GRCh37 (hg19) VCF-style: chr2-71680632-T-C.
Identifiers: ClinVar variation 679856 (VCV000679856.3), dbSNP rs6546693, ClinGen allele CA11154877.

ClinVar aggregate classification (germline): Benign (1 of 4 stars; one submission).

Allele frequency attached by ClinVar (database versions not stated): gnomAD 0.15783 and 0.15983; 1000 Genomes Project 0.23802; TOPMed 0.16956; 1000 Genomes Project 30x 0.23079.

Submission:

GeneDx
Classification: Benign. Last evaluated: 2018-06-19. Review status: criteria provided, single submitter. Criteria: GeneDx Variant Classification (06012015). Collection method: clinical testing. Allele origin: germline. Affected: yes.
Comment: This variant is considered likely benign or benign based on one or more of the following criteria: it is a conservative change, it occurs at a poorly conserved position in the protein, it is predicted to be benign by multiple in silico algorithms, and/or has population frequency not consistent with disease.